The following is an entry in ClinVar:

ClinVar aggregate classification (germline): Uncertain significance (1 of 4 stars; one submission).

Conditions:
Inborn genetic diseases. Identifiers: MedGen C0950123, MeSH D030342.

Submission:

Ambry Genetics
Classification: Uncertain significance for Inborn genetic diseases. Last evaluated: 2026-09-08. Review status: criteria provided, single submitter. Criteria: Ambry Variant Classification Scheme 2023. Collection method: clinical testing. Allele origin: germline.
Comment: The p.E24D variant (also known as c.72G>T), located in coding exon 1 of the FANCA gene, results from a G to T substitution at nucleotide position 72. The glutamic acid at codon 24 is replaced by aspartic acid, an amino acid with highly similar properties. This amino acid position is conserved. In addition, this alteration is predicted to be tolerated by in silico analysis. Based on the available evidence, the clinical significance of this variant remains unclear.

NM_000135.4(FANCA):c.72G>T (p.Glu24Asp)

Genes: FANCA (FA complementation group A; minus strand), LOC112486223 (Sharpr-MPRA regulatory region 3988; plus strand). Cytogenetic location: 16q24.3.
Variant type: single nucleotide variant.
Coding change: c.72G>T on transcript NM_000135.4 (MANE Select); coding-DNA position 72, G replaced by T.
Protein change: p.Glu24Asp; replaces glutamic acid 24 with aspartic acid.
Molecular consequence: missense variant.
Genome position (GRCh38, 1-based): chr16:89,816,544, C>A on the plus strand (G>T on the coding strand, the complement: FANCA is on the minus strand). VCF-style: chr16-89816544-C-A. GRCh37 (hg19) VCF-style: chr16-89882952-C-A.
Other names: c.72G>T, p.Glu24Asp (NM_001018112.3, NM_001286167.3, NM_001351830.2); short protein forms E24D.
Identifiers: ClinVar variation 5036444 (VCV005036444.1).